The following is an entry in ClinVar:

ClinVar aggregate classification (germline): Uncertain significance (1 of 4 stars; one submission).

Allele frequency attached by ClinVar (database versions not stated): gnomAD exomes below 0.00001.
gnomAD v4.1: 1 of 1,613,792 alleles (0.000062%); highest among the groups gnomAD compares: East Asian, 0.0022%; no homozygotes.

Submission:

Ambry Genetics
Classification: Uncertain significance. Last evaluated: 2024-01-12. Review status: criteria provided, single submitter. Criteria: Ambry Variant Classification Scheme 2023. Collection method: clinical testing. Allele origin: germline.
Comment: The p.A622S variant (also known as c.1864G>T), located in coding exon 12 of the RINT1 gene, results from a G to T substitution at nucleotide position 1864. The alanine at codon 622 is replaced by serine, an amino acid with similar properties. This amino acid position is conserved. In addition, this alteration is predicted to be tolerated by in silico analysis. Since supporting evidence is limited at this time, the clinical significance of this alteration remains unclear.

NM_021930.6(RINT1):c.1864G>T (p.Ala622Ser)

Gene: RINT1 (RAD50 interactor 1; plus strand). Cytogenetic location: 7q22.3.
Variant type: single nucleotide variant.
Coding change: c.1864G>T on transcript NM_021930.6 (MANE Select); coding-DNA position 1864, G replaced by T.
Protein change: p.Ala622Ser; replaces alanine 622 with serine.
Molecular consequence: missense variant. On other transcripts: non-coding transcript variant (1).
Genome position (GRCh38, 1-based): chr7:105,563,925, G>T. VCF-style: chr7-105563925-G-T. GRCh37 (hg19) VCF-style: chr7-105204372-G-T.
Other names: c.1630G>T, p.Ala544Ser (NM_001346599.2); c.841G>T, p.Ala281Ser (NM_001346600.2, NM_001346603.2); c.940G>T, p.Ala314Ser (NM_001346601.2); short protein forms A281S, A314S, A544S, A622S.
Identifiers: ClinVar variation 3227619 (VCV003227619.1), dbSNP rs1369298820, ClinGen allele CA368814254.